The following is an entry in ClinVar:

NM_012233.3(RAB3GAP1):c.2616T>C (p.Ser872=)

Gene: RAB3GAP1 (RAB3 GTPase activating protein catalytic subunit 1; plus strand). Cytogenetic location: 2q21.3.
Variant type: single nucleotide variant.
Coding change: c.2616T>C on transcript NM_012233.3 (MANE Select); coding-DNA position 2616, T replaced by C.
Protein change: p.Ser872=; no amino-acid change (serine 872 retained).
Molecular consequence: synonymous variant.
Genome position (GRCh38, 1-based): chr2:135,164,603, T>C. VCF-style: chr2-135164603-T-C. GRCh37 (hg19) VCF-style: chr2-135922173-T-C.
Other names: c.2616T>C, p.Ser872= (NM_001172435.2).
Identifiers: ClinVar variation 4535192 (VCV004535192.6).

ClinVar aggregate classification (germline): Likely benign (1 of 4 stars; one submission).

Submission:

CeGaT Center for Human Genetics Tuebingen
Classification: Likely benign. Last evaluated: 2025-11-01. Review status: criteria provided, single submitter. Criteria: CeGaT Center For Human Genetics Tuebingen Variant Classification Criteria Version 2. Collection method: clinical testing. Allele origin: germline. Affected: yes. Observed: 1 variant allele.
Comment: RAB3GAP1: PM2:Supporting, BP4, BP7